The following is an entry in ClinVar:

NM_182972.3(IRF2BP2):c.75C>T (p.Pro25=)

Gene: IRF2BP2 (interferon regulatory factor 2 binding protein 2; minus strand). Cytogenetic location: 1q42.3.
Variant type: single nucleotide variant.
Coding change: c.75C>T on transcript NM_182972.3 (MANE Select); coding-DNA position 75, C replaced by T.
Protein change: p.Pro25=; no amino-acid change (proline 25 retained).
Molecular consequence: synonymous variant.
Genome position (GRCh38, 1-based): chr1:234,609,420, G>A on the plus strand (C>T on the coding strand, the complement: IRF2BP2 is on the minus strand). VCF-style: chr1-234609420-G-A. GRCh37 (hg19) VCF-style: chr1-234745166-G-A.
Other names: c.75C>T, p.Pro25= (NM_001077397.1).
Identifiers: ClinVar variation 782235 (VCV000782235.23), dbSNP rs76362154, ClinGen allele CA1461902.

ClinVar aggregate classification (germline): Benign. Review status: criteria provided, multiple submitters, no conflicts (2 of 4 stars). 5 submissions from 5 submitters: Benign (4). 1 of the submissions does not count toward it. Last evaluated 2026-03-31.

Conditions:
Immunodeficiency, common variable, 14. Identifiers: Orphanet 696904, MedGen C4540380, MONDO:0054691, OMIM 617765.
IRF2BP2-related disorder. Also called: IRF2BP2-related condition.

Allele frequency attached by ClinVar (database versions not stated): 1000 Genomes Project 30x 0.02858; gnomAD exomes 0.00400; ExAC 0.00940; ESP Exome Variant Server 0.02247; gnomAD 0.02447 and 0.02638; 1000 Genomes Project 0.02596; TOPMed 0.02749.
gnomAD v4.1: 6,852 of 1,561,766 alleles (0.44%); highest among the groups gnomAD compares: African/African-American, 8.4%; 254 homozygotes.

Submissions (5):

Women's Health and Genetics/Laboratory Corporation of America, LabCorp
Classification: Benign. Last evaluated: 2026-03-31. Review status: criteria provided, single submitter. Criteria: LabCorp Variant Classification Summary - May 2015. Collection method: clinical testing. Allele origin: germline.

Labcorp Genetics (formerly Invitae), Labcorp
Classification: Benign. Last evaluated: 2026-02-01. Review status: criteria provided, single submitter. Criteria: Invitae Variant Classification Sherloc (09022015). Collection method: clinical testing. Allele origin: germline.

ARUP Laboratories, Molecular Genetics and Genomics, ARUP Laboratories
Classification: Benign for Immunodeficiency, common variable, 14. Last evaluated: 2023-11-22. Review status: criteria provided, single submitter. Criteria: ARUP Molecular Germline Variant Investigation Process 2024. Collection method: clinical testing. Allele origin: germline.

Breakthrough Genomics
Classification: Benign. Review status: criteria provided, single submitter. Criteria: ACMG Guidelines, 2015. Collection method: not provided. Allele origin: germline. Inheritance: Autosomal dominant inheritance. Affected: yes.

PreventionGenetics, part of Exact Sciences
Classification: Benign for IRF2BP2-related condition. Last evaluated: 2019-07-08. Review status: no assertion criteria provided. Collection method: clinical testing. Allele origin: germline. Not counted in ClinVar's aggregate classification.
Comment: This variant is classified as benign based on ACMG/AMP sequence variant interpretation guidelines (Richards et al. 2015 PMID: 25741868, with internal and published modifications).